The following is an entry in ClinVar:

ClinVar aggregate classification (germline): Uncertain significance. Review status: criteria provided, multiple submitters, no conflicts (2 of 4 stars). 4 submissions from 4 submitters: Uncertain significance (4). Last evaluated 2025-11-08.

Conditions:
Dyskeratosis congenita. Identifiers: Orphanet 1775, MedGen C0265965, MONDO:0015780.
Inborn genetic diseases. Identifiers: MedGen C0950123, MeSH D030342.

Allele frequency attached by ClinVar (database versions not stated): gnomAD 0.00001 and 0.00002; gnomAD exomes 0.00001 and 0.00005; TOPMed 0.00001; ExAC 0.00005; 1000 Genomes Project 30x 0.00031; 1000 Genomes Project 0.00040.
gnomAD v4.1: 17 of 1,613,430 alleles (0.0011%); highest among the groups gnomAD compares: East Asian, 0.036%; no homozygotes.

Submissions (4):

Ambry Genetics
Classification: Uncertain significance for Inborn genetic diseases. Last evaluated: 2025-11-08. Review status: criteria provided, single submitter. Criteria: Ambry Variant Classification Scheme 2023. Collection method: clinical testing. Allele origin: germline.

Labcorp Genetics (formerly Invitae), Labcorp
Classification: Uncertain significance for Dyskeratosis congenita. Last evaluated: 2023-10-07. Review status: criteria provided, single submitter. Criteria: Invitae Variant Classification Sherloc (09022015). Collection method: clinical testing. Allele origin: germline.
Comment: This sequence change replaces threonine, which is neutral and polar, with alanine, which is neutral and non-polar, at codon 510 of the CTC1 protein (p.Thr510Ala). This variant is present in population databases (rs578120516, gnomAD 0.06%). This variant has not been reported in the literature in individuals affected with CTC1-related conditions. ClinVar contains an entry for this variant (Variation ID: 834911). Advanced modeling of protein sequence and biophysical properties (such as structural, functional, and spatial information, amino acid conservation, physicochemical variation, residue mobility, and thermodynamic stability) performed at Invitae indicates that this missense variant is not expected to disrupt CTC1 protein function. In summary, the available evidence is currently insufficient to determine the role of this variant in disease. Therefore, it has been classified as a Variant of Uncertain Significance.

GeneDx
Classification: Uncertain significance. Last evaluated: 2022-09-14. Review status: criteria provided, single submitter. Criteria: GeneDx Variant Classification Process June 2021. Collection method: clinical testing. Allele origin: germline. Affected: yes.
Comment: In silico analysis supports that this missense variant does not alter protein structure/function; Has not been previously published as pathogenic or benign to our knowledge

Sema4
Classification: Uncertain significance for Dyskeratosis congenita. Last evaluated: 2021-07-29. Review status: criteria provided, single submitter. Criteria: Sema4 Curation Guidelines. Collection method: curation. Allele origin: germline.
Comment: To the best of our knowledge, the CTC1 c.1528A>G (p.T510A) variant has not been reported in individuals with CTC1-related disease. It was observed in 12/17962 chromosomes of the East Asian subpopulation, with no homozygotes, in the large and broad cohorts of the Genome Aggregation Database (PMID: 32461654).The variant has been reported in ClinVar (Variation ID 834911). Functional studies have not been performed, and in silico predictions of the variant's effect on protein function are inconclusive. The evidence is insufficient to meet ACMG/AMP criteria for classifying the variant as benign or pathogenic. Thus, the clinical significance of this variant is currently uncertain.

NM_025099.6(CTC1):c.1528A>G (p.Thr510Ala)

Gene: CTC1 (CST telomere replication complex component 1; minus strand). Cytogenetic location: 17p13.1.
Variant type: single nucleotide variant.
Coding change: c.1528A>G on transcript NM_025099.6 (MANE Select); coding-DNA position 1528, A replaced by G.
Protein change: p.Thr510Ala; replaces threonine 510 with alanine.
Molecular consequence: missense variant. On other transcripts: non-coding transcript variant (1).
Genome position (GRCh38, 1-based): chr17:8,234,838, T>C on the plus strand (A>G on the coding strand, the complement: CTC1 is on the minus strand). VCF-style: chr17-8234838-T-C. GRCh37 (hg19) VCF-style: chr17-8138156-T-C.
Other names: short protein forms T510A.
Identifiers: ClinVar variation 834911 (VCV000834911.8), dbSNP rs578120516, ClinGen allele CA8372324.